The following is an entry in ClinVar:

ClinVar aggregate classification (germline): Uncertain significance (1 of 4 stars; one submission).

Conditions:
Cardiovascular phenotype. Identifiers: MedGen CN230736.

Allele frequency attached by ClinVar (database versions not stated): ExAC 0.00001; gnomAD 0.00001; gnomAD exomes 0.00001; TOPMed 0.00001.
gnomAD v4.1: 13 of 1,614,022 alleles (0.00081%); highest among the groups gnomAD compares: Non-Finnish European, 0.001%; no homozygotes.

Submission:

Ambry Genetics
Classification: Uncertain significance for Cardiovascular phenotype. Last evaluated: 2019-10-11. Review status: criteria provided, single submitter. Criteria: Ambry Variant Classification Scheme 2023. Collection method: clinical testing. Allele origin: germline.
Comment: The p.A1806V variant (also known as c.5417C>T), located in coding exon 27 of the SCN10A gene, results from a C to T substitution at nucleotide position 5417. The alanine at codon 1806 is replaced by valine, an amino acid with similar properties. This amino acid position is well conserved in available vertebrate species. In addition, this alteration is predicted to be deleterious by in silico analysis. Since supporting evidence is limited at this time, the clinical significance of this alteration remains unclear.

NM_006514.4(SCN10A):c.5417C>T (p.Ala1806Val)

Gene: SCN10A (sodium voltage-gated channel alpha subunit 10; minus strand). Cytogenetic location: 3p22.2.
Variant type: single nucleotide variant.
Coding change: c.5417C>T on transcript NM_006514.4 (MANE Select); coding-DNA position 5417, C replaced by T.
Protein change: p.Ala1806Val; replaces alanine 1806 with valine.
Molecular consequence: missense variant.
Genome position (GRCh38, 1-based): chr3:38,697,803, G>A on the plus strand (C>T on the coding strand, the complement: SCN10A is on the minus strand). VCF-style: chr3-38697803-G-A. GRCh37 (hg19) VCF-style: chr3-38739294-G-A.
Other names: c.5414C>T, p.Ala1805Val (NM_001293306.2); c.5123C>T, p.Ala1708Val (NM_001293307.2); short protein forms A1708V, A1805V, A1806V.
Identifiers: ClinVar variation 1747395 (VCV001747395.2), dbSNP rs770210577, ClinGen allele CA2319675.